The following is an entry in ClinVar:

ClinVar aggregate classification (germline): Uncertain significance (1 of 4 stars; one submission).

Conditions:
Severe myoclonic epilepsy in infancy (DRVT). Also called: Epileptic encephalopathy, early infantile, 6 (Dravet syndrome); Dravet syndrome; SEVERE MYOCLONIC EPILEPSY OF INFANCY; DEVELOPMENTAL AND EPILEPTIC ENCEPHALOPATHY 6A; Severe Myoclonic Epilepsy in Infancy (SMEI). Identifiers: Orphanet 33069, MedGen C0751122, MONDO:0100135, OMIM 607208.

Allele frequency attached by ClinVar (database versions not stated): gnomAD exomes below 0.00001.
gnomAD v4.1: 3 of 1,613,158 alleles (0.00019%); no homozygotes.

Submission:

Labcorp Genetics (formerly Invitae), Labcorp
Classification: Uncertain significance for Severe myoclonic epilepsy in infancy. Last evaluated: 2018-04-16. Review status: criteria provided, single submitter. Criteria: Invitae Variant Classification Sherloc (09022015). Collection method: clinical testing. Allele origin: germline.
Comment: This sequence change replaces leucine with glutamine at codon 192 of the SNX27 protein (p.Leu192Gln). The leucine residue is highly conserved and there is a moderate physicochemical difference between leucine and glutamine. This variant is not present in population databases (ExAC no frequency). This variant has not been reported in the literature in individuals with SNX27-related disease. Algorithms developed to predict the effect of missense changes on protein structure and function (SIFT, PolyPhen-2, Align-GVGD) all suggest that this variant is likely to be disruptive, but these predictions have not been confirmed by published functional studies and their clinical significance is uncertain. In summary, the available evidence is currently insufficient to determine the role of this variant in disease. Therefore, it has been classified as a Variant of Uncertain Significance.

NM_001330723.2(SNX27):c.575T>A (p.Leu192Gln)

Gene: SNX27 (sorting nexin 27; plus strand). Cytogenetic location: 1q21.3.
Variant type: single nucleotide variant.
Coding change: c.575T>A on transcript NM_001330723.2 (MANE Select); coding-DNA position 575, T replaced by A.
Protein change: p.Leu192Gln; replaces leucine 192 with glutamine.
Molecular consequence: missense variant.
Genome position (GRCh38, 1-based): chr1:151,658,266, T>A. VCF-style: chr1-151658266-T-A. GRCh37 (hg19) VCF-style: chr1-151630742-T-A.
Other names: c.575T>A, p.Leu192Gln (NM_030918.6); short protein forms L192Q.
Identifiers: ClinVar variation 568690 (VCV000568690.1), dbSNP rs1208840156, ClinGen allele CA341958415.